The following is an entry in ClinVar:

NM_001130021.3(ATP6V0A1):c.1189A>T (p.Ile397Phe)

Gene: ATP6V0A1 (ATPase H+ transporting V0 subunit a1; plus strand). Cytogenetic location: 17q21.2.
Variant type: single nucleotide variant.
Coding change: c.1189A>T on transcript NM_001130021.3 (MANE Select); coding-DNA position 1189, A replaced by T.
Protein change: p.Ile397Phe; replaces isoleucine 397 with phenylalanine.
Molecular consequence: missense variant.
Genome position (GRCh38, 1-based): chr17:42,494,348, A>T. VCF-style: chr17-42494348-A-T. GRCh37 (hg19) VCF-style: chr17-40646366-A-T.
Other names: c.1210A>T, p.Ile404Phe (NM_001130020.3, NM_001378522.1, NM_001378523.1 and 3 more transcripts); c.1312A>T, p.Ile438Phe (NM_001378530.1, NM_001378533.1, NM_001378551.1 and 1 more transcripts); c.1333A>T, p.Ile445Phe (NM_001378531.1, NM_001378532.1); c.1189A>T, p.Ile397Phe (NM_001378535.1, NM_001378537.1, NM_001378542.1 and 4 more transcripts); c.1081A>T, p.Ile361Phe (NM_001378536.1, NM_001378550.1, NM_001378556.1); c.1060A>T, p.Ile354Phe (NM_001378538.1, NM_001378540.1); c.1030A>T, p.Ile344Phe (NM_001378543.1); c.979A>T, p.Ile327Phe (NM_001378545.1, NM_001378554.1); and 2 more; short protein forms I326F, I327F, I337F, I344F, I354F, I361F, I397F, I404F.
Identifiers: ClinVar variation 3900964 (VCV003900964.1).

ClinVar aggregate classification (germline): Uncertain significance (1 of 4 stars; one submission).

Submission:

GeneDx
Classification: Uncertain significance. Last evaluated: 2024-11-30. Review status: criteria provided, single submitter. Criteria: GeneDx Variant Classification Process June 2021. Collection method: clinical testing. Allele origin: germline. Affected: yes.
Comment: Not observed at significant frequency in large population cohorts (gnomAD); In silico analysis supports that this missense variant has a deleterious effect on protein structure/function; Has not been previously published as pathogenic or benign to our knowledge